The following is an entry in ClinVar:

NM_000092.5(COL4A4):c.657+48A>G

Gene: COL4A4 (collagen type IV alpha 4 chain; minus strand). Cytogenetic location: 2q36.3.
Variant type: single nucleotide variant.
Coding change: c.657+48A>G on transcript NM_000092.5 (MANE Select); 48 bases into the intron after coding-DNA position 657, A replaced by G.
Molecular consequence: intron variant.
Genome position (GRCh38, 1-based): chr2:227,109,176, T>C on the plus strand (A>G on the coding strand, the complement: COL4A4 is on the minus strand). VCF-style: chr2-227109176-T-C. GRCh37 (hg19) VCF-style: chr2-227973892-T-C.
Identifiers: ClinVar variation 682766 (VCV000682766.4), dbSNP rs73082223, ClinGen allele CA2145534.
Genomic context (GRCh38, chr2:227,109,176, plus strand): 5'-ATCTCTCAAACGGCCCACCTGTGTCTGACCCAAAATGGCAATGTTGCTTCTTTATTTTCA[T>C]GTAGAATCTGGTTTTTAAAGGGATCACATCAGCAGTGCTGTACTTACCACTAACCCTGGC-3'

ClinVar aggregate classification (germline): Benign. Review status: criteria provided, multiple submitters, no conflicts (2 of 4 stars). 3 submissions from 3 submitters: Benign (3). Last evaluated 2024-07-15.

Allele frequency attached by ClinVar (database versions not stated): gnomAD exomes 0.15994; ExAC 0.16964; 1000 Genomes Project 0.35224; ESP Exome Variant Server 0.26275; TOPMed 0.30297; 1000 Genomes Project 30x 0.36087.
gnomAD v4.1: 195,285 of 1,544,204 alleles (13%); highest among the groups gnomAD compares: African/African-American, 71%; 28,417 homozygotes.

Submissions (3):

Unidad de Genómica Garrahan, Hospital de Pediatría Garrahan
Classification: Benign. Last evaluated: 2024-07-15. Review status: criteria provided, single submitter. Criteria: ACMG Guidelines, 2015. Collection method: clinical testing. Allele origin: germline. Affected: no. Observed: 22 variant alleles.
Comment: This variant is classified as Benign based on local population frequency. This variant was detected in 24% of patients studied in a panel designed for Epileptic and Developmental Encephalopathy and Progressive Myoclonus Epilepsy. Number of patients: 22. Only high quality variants are reported.

GeneDx
Classification: Benign. Last evaluated: 2018-06-16. Review status: criteria provided, single submitter. Criteria: GeneDx Variant Classification (06012015). Collection method: clinical testing. Allele origin: germline. Affected: yes.
Comment: This variant is considered likely benign or benign based on one or more of the following criteria: it is a conservative change, it occurs at a poorly conserved position in the protein, it is predicted to be benign by multiple in silico algorithms, and/or has population frequency not consistent with disease.

Breakthrough Genomics
Classification: Benign. Review status: criteria provided, single submitter. Criteria: ACMG Guidelines, 2015. Collection method: not provided. Allele origin: germline. Inheritance: Autosomal recessive inheritance. Affected: yes.